The following is an entry in ClinVar:

NM_004655.4(AXIN2):c.2326C>T (p.Pro776Ser)

Gene: AXIN2 (axin 2; minus strand). Cytogenetic location: 17q24.1.
Variant type: single nucleotide variant.
Coding change: c.2326C>T on transcript NM_004655.4 (MANE Select); coding-DNA position 2326, C replaced by T.
Protein change: p.Pro776Ser; replaces proline 776 with serine.
Molecular consequence: missense variant.
Genome position (GRCh38, 1-based): chr17:65,533,991, G>A on the plus strand (C>T on the coding strand, the complement: AXIN2 is on the minus strand). VCF-style: chr17-65533991-G-A. GRCh37 (hg19) VCF-style: chr17-63530109-G-A.
Other names: c.2326C>T (LRG_296t1); c.2131C>T, p.Pro711Ser (NM_001363813.1); short protein forms P776S, P711S.
Identifiers: ClinVar variation 418819 (VCV000418819.2), dbSNP rs1064793454, ClinGen allele CA16620559.

ClinVar aggregate classification (germline): Uncertain significance (1 of 4 stars; one submission).

Submission:

GeneDx
Classification: Uncertain significance. Last evaluated: 2015-04-02. Review status: criteria provided, single submitter. Criteria: GeneDx Variant Classification (06012015). Collection method: clinical testing. Allele origin: germline. Affected: yes.
Comment: This variant is denoted AXIN2 c.2326C>T at the cDNA level, p.Pro776Ser (P776S) at the protein level, and results in the change of a Proline to a Serine (CCA>TCA). This variant has not, to our knowledge, been published in the literature as pathogenic or benign. AXIN2 Pro776Ser was not observed in approximately 6,500 individuals of European and African American ancestry in the NHLBI Exome Sequencing Project, indicating it is not a common benign variant in these populations. Since Proline and Serine differ in polarity, charge, size or other properties, this is considered a non-conservative amino acid substitution. AXIN2 Pro776Ser occurs at a position that is conserved across species and is located within the DIX domain (UniProt). In silico analyses predict that this variant is probably damaging to protein structure and function. Based on currently available information, it is unclear whether AXIN2 Pro776Ser is pathogenic or benign. We consider it to be a variant of uncertain significance.